The following is an entry in ClinVar:

ClinVar aggregate classification (germline): Conflicting classifications of pathogenicity. Review status: criteria provided, conflicting classifications (1 of 4 stars). 23 submissions from 19 submitters: Uncertain significance (1); Benign (12); Likely benign (5). 5 of the submissions do not count toward it. Last evaluated 2026-02-03.

Conditions:
Dilated cardiomyopathy 1G (CMD1G). Identifiers: Orphanet 154, MedGen C1858763, MONDO:0011400, OMIM 604145.
Autosomal recessive limb-girdle muscular dystrophy type 2J (LGMDR10). Also called: MUSCULAR DYSTROPHY, LIMB-GIRDLE, AUTOSOMAL RECESSIVE 10; Limb-girdle muscular dystrophy, type 2J. Identifiers: Orphanet 140922, MedGen C1837342, MONDO:0012127, OMIM 608807.
Cardiomyopathy (CMYO). Also called: Cardiomyopathies. Identifiers: Orphanet 167848, MedGen C0878544, MONDO:0004994, HP:0001638. Inheritance: Various modes of inheritance.
Early-onset myopathy with fatal cardiomyopathy (CMYO5). Also called: CONGENITAL MYOPATHY 5 WITH CARDIOMYOPATHY; Salih Myopathy. Identifiers: Orphanet 289377, MedGen C2673677, MONDO:0012714, OMIM 611705. Disease mechanism: loss of function.
Myopathy, myofibrillar, 9, with early respiratory failure (MFM9). Also called: Myopathy, distal, with early respiratory failure, autosomal dominant; Hereditary myopathy with early respiratory failure; MYOPATHY, PROXIMAL, WITH EARLY RESPIRATORY MUSCLE INVOLVEMENT; EDSTROM MYOPATHY. Identifiers: Orphanet 178464, Orphanet 34521, MedGen C1863599, MONDO:0011362, OMIM 603689.
Tibial muscular dystrophy (TMD). Also called: Udd Distal Myopathy – Tibial Muscular Dystrophy; Tibial muscular dystrophy, tardive; UDD MYOPATHY. Identifiers: Orphanet 609, MedGen C1838244, MONDO:0010870, OMIM 600334.
Primary dilated cardiomyopathy (DCM). Also called: Dilated Cardiomyopathy. Identifiers: Orphanet 217604, MedGen C0007193, MeSH D002311, MONDO:0005021, HP:0001644. Inheritance: Various modes of inheritance.

Allele frequency attached by ClinVar (database versions not stated): TOPMed 0.00099; 1000 Genomes Project 30x 0.00593; ESP Exome Variant Server 0.00152; 1000 Genomes Project 0.00599.
gnomAD v4.1: 3,512 of 1,613,750 alleles (0.22%); highest among the groups gnomAD compares: South Asian, 2.1%; 52 homozygotes.

Submissions (23):

Labcorp Genetics (formerly Invitae), Labcorp
Classification: Benign for Dilated cardiomyopathy 1G; Autosomal recessive limb-girdle muscular dystrophy type 2J. Last evaluated: 2026-02-03. Review status: criteria provided, single submitter. Criteria: Invitae Variant Classification Sherloc (09022015). Collection method: clinical testing. Allele origin: germline.

ARUP Laboratories, Molecular Genetics and Genomics, ARUP Laboratories
Classification: Benign. Last evaluated: 2025-06-23. Review status: criteria provided, single submitter. Criteria: ARUP Molecular Germline Variant Investigation Process 2024. Collection method: clinical testing. Allele origin: germline.

Molecular Diagnostic Laboratory for Inherited Cardiovascular Disease, Montreal Heart Institute
Classification: Benign. Last evaluated: 2025-04-09. Review status: criteria provided, single submitter. Criteria: ACMG Guidelines, 2015. Collection method: clinical testing. Allele origin: germline. Affected: no.

Athena Diagnostics
Classification: Benign. Last evaluated: 2025-01-21. Review status: criteria provided, single submitter. Criteria: Athena Diagnostics Criteria. Collection method: clinical testing. Allele origin: unknown.
Comment: The frequency of this variant in the general population is higher than would generally be expected for pathogenic variants in this gene.

Mayo Clinic Laboratories, Mayo Clinic
Classification: Benign. Last evaluated: 2023-06-16. Review status: criteria provided, single submitter. Criteria: ACMG Guidelines, 2015. Collection method: clinical testing. Allele origin: germline. Observed: 10 variant alleles.
Comment: BS1, BS2

Women's Health and Genetics/Laboratory Corporation of America, LabCorp
Classification: Likely benign. Last evaluated: 2020-01-06. Review status: criteria provided, single submitter. Criteria: LabCorp Variant Classification Summary - May 2015. Collection method: clinical testing. Allele origin: germline.

CHEO Genetics Diagnostic Laboratory, Children's Hospital of Eastern Ontario
Classification: Benign for Cardiomyopathy. Last evaluated: 2019-05-30. Review status: criteria provided, single submitter. Criteria: ACMG Guidelines, 2015. Collection method: clinical testing. Allele origin: germline.

Illumina Laboratory Services, Illumina
Classification: Benign for Tibial muscular dystrophy. Last evaluated: 2018-01-12. Review status: criteria provided, single submitter. Criteria: ICSL Variant Classification Criteria 13 December 2019. Collection method: clinical testing. Allele origin: germline.
Comment: This variant was observed in the ICSL laboratory as part of a predisposition screen in an ostensibly healthy population. It had not been previously curated by ICSL or reported in the Human Gene Mutation Database (HGMD: prior to June 1st, 2018), and was therefore a candidate for classification through an automated scoring system. Utilizing variant allele frequency, disease prevalence and penetrance estimates, and inheritance mode, an automated score was calculated to assess if this variant is too frequent to cause the disease. Based on the score and internal cut-off values, a variant classified as benign is not then subjected to further curation. The score for this variant resulted in a classification of benign for this disease.

Illumina Laboratory Services, Illumina
Classification: Likely benign for Dilated cardiomyopathy 1G. Last evaluated: 2018-01-12. Review status: criteria provided, single submitter. Criteria: ICSL Variant Classification Criteria 13 December 2019. Collection method: clinical testing. Allele origin: germline.
Comment: This variant was observed in the ICSL laboratory as part of a predisposition screen in an ostensibly healthy population. It had not been previously curated by ICSL or reported in the Human Gene Mutation Database (HGMD: prior to June 1st, 2018), and was therefore a candidate for classification through an automated scoring system. Utilizing variant allele frequency, disease prevalence and penetrance estimates, and inheritance mode, an automated score was calculated to assess if this variant is too frequent to cause the disease. Based on the score and internal cut-off values, a variant classified as likely benign is not then subjected to further curation. The score for this variant resulted in a classification of likely benign for this disease.

Illumina Laboratory Services, Illumina
Classification: Likely benign for Autosomal recessive limb-girdle muscular dystrophy type 2J. Last evaluated: 2018-01-12. Review status: criteria provided, single submitter. Criteria: ICSL Variant Classification Criteria 13 December 2019. Collection method: clinical testing. Allele origin: germline.
Comment: the same text as in the submission from Illumina Laboratory Services, Illumina above.

Illumina Laboratory Services, Illumina
Classification: Likely benign for Early-onset myopathy with fatal cardiomyopathy. Last evaluated: 2018-01-12. Review status: criteria provided, single submitter. Criteria: ICSL Variant Classification Criteria 13 December 2019. Collection method: clinical testing. Allele origin: germline.
Comment: the same text as in the submission from Illumina Laboratory Services, Illumina above.

Illumina Laboratory Services, Illumina
Classification: Benign for Myopathy, myofibrillar, 9, with early respiratory failure. Last evaluated: 2018-01-12. Review status: criteria provided, single submitter. Criteria: ICSL Variant Classification Criteria 13 December 2019. Collection method: clinical testing. Allele origin: germline.
Comment: the same text as in the submission from Illumina Laboratory Services, Illumina above.

Center for Advanced Laboratory Medicine, UC San Diego Health, University of California San Diego
Classification: Benign for Dilated cardiomyopathy. Last evaluated: 2017-02-28. Review status: criteria provided, single submitter. Criteria: ACMG Guidelines, 2015. Collection method: clinical testing. Allele origin: germline. Affected: yes. Observed: 1 variant allele.

GeneDx
Classification: Benign. Last evaluated: 2016-02-08. Review status: criteria provided, single submitter. Criteria: GeneDx Variant Classification (06012015). Collection method: clinical testing. Allele origin: germline. Affected: yes.
Comment: This variant is considered likely benign or benign based on one or more of the following criteria: it is a conservative change, it occurs at a poorly conserved position in the protein, it is predicted to be benign by multiple in silico algorithms, and/or has population frequency not consistent with disease.

Eurofins Ntd Llc (ga)
Classification: Benign. Last evaluated: 2015-09-01. Review status: criteria provided, single submitter. Criteria: EGL Classification Definitions 2015. Collection method: clinical testing. Allele origin: germline. Observed: 1 variant allele, 1 heterozygote.

Laboratory for Molecular Medicine, Mass General Brigham Personalized Medicine
Classification: Benign. Last evaluated: 2015-02-25. Review status: criteria provided, single submitter. Criteria: LMM Criteria. Collection method: clinical testing. Allele origin: germline. Observed: 13 variant alleles.
Comment: p.Phe6602Leu in exon 78 of TTN: This variant is not expected to have clinical si gnificance because it has been identified in 2.3% (383/16508) of South Asian chr omosomes by the Exome Aggregation Consortium (ExAC, rg; dbSNP rs149523263).

Genetic Services Laboratory, University of Chicago
Classification: Uncertain significance. Last evaluated: 2014-03-17. Review status: criteria provided, single submitter. Criteria: ACMG Guidelines, 2007. Collection method: clinical testing. Allele origin: germline.

Biesecker Lab/Clinical Genomics Section, National Institutes of Health
Classification: Likely benign. Last evaluated: 2013-06-24. Review status: criteria provided, single submitter. Criteria: Ng et al. (Circ Cardiovasc Genet. 2013). Collection method: research. Allele origin: unknown. Observed: 3 variant alleles. Study: ClinSeq.
Comment: The study set was not selected for affection status in relation to any cancer. Pathogenicity categories were based on literature curation. See Pubmed ID:23861362 for details.

Medical sequencing

Clinical Genetics DNA and cytogenetics Diagnostics Lab, Erasmus MC, Erasmus Medical Center
Classification: Likely benign. Review status: no assertion criteria provided. Collection method: clinical testing. Allele origin: germline. Affected: yes. Study: VKGL Data-share Consensus. Not counted in ClinVar's aggregate classification.

Clinical Genetics, Academic Medical Center
Classification: Benign. Review status: no assertion criteria provided. Collection method: clinical testing. Allele origin: germline. Affected: yes. Study: VKGL Data-share Consensus. Not counted in ClinVar's aggregate classification.

Diagnostic Laboratory, Department of Genetics, University Medical Center Groningen
Classification: Likely benign. Review status: no assertion criteria provided. Collection method: clinical testing. Allele origin: germline. Affected: yes. Study: VKGL Data-share Consensus. Not counted in ClinVar's aggregate classification.

Joint Genome Diagnostic Labs from Nijmegen and Maastricht, Radboudumc and MUMC+
Classification: Benign. Review status: no assertion criteria provided. Collection method: clinical testing. Allele origin: germline. Affected: yes. Study: VKGL Data-share Consensus. Not counted in ClinVar's aggregate classification.

Laboratory of Diagnostic Genome Analysis, Leiden University Medical Center (LUMC)
Classification: Likely benign. Review status: no assertion criteria provided. Collection method: clinical testing. Allele origin: germline. Affected: yes. Study: VKGL Data-share Consensus. Not counted in ClinVar's aggregate classification.

Literature cited by the submitters: PubMed 26516846 (cited by Athena Diagnostics); PubMed 32343762 (cited by Athena Diagnostics); PubMed 39730912 (cited by Athena Diagnostics).

NM_001267550.2(TTN):c.23538C>G (p.Phe7846Leu)

Gene: TTN (titin; minus strand). Cytogenetic location: 2q31.2.
Variant type: single nucleotide variant.
Coding change: c.23538C>G on transcript NM_001267550.2 (MANE Select); coding-DNA position 23538, C replaced by G.
Protein change: p.Phe7846Leu; replaces phenylalanine 7846 with leucine.
Molecular consequence: missense variant. On other transcripts: intron variant (3).
Genome position (GRCh38, 1-based): chr2:178,720,104, G>C on the plus strand (C>G on the coding strand, the complement: TTN is on the minus strand). VCF-style: chr2-178720104-G-C. GRCh37 (hg19) VCF-style: chr2-179584831-G-C.
Other names: p.F7529L:TTC>TTG; p.Phe7529Leu; c.22587C>G, p.Phe7529Leu (NM_001256850.1); c.19806C>G, p.Phe6602Leu (NM_133378.4); c.13282+17978C>G (NM_003319.4); c.13858+17978C>G (NM_133437.4); c.13657+17978C>G (NM_133432.3); short protein forms F7846L, F6602L, F7529L.
Identifiers: ClinVar variation 46721 (VCV000046721.49), dbSNP rs149523263, ClinGen allele CA139042.
Genomic context (GRCh38, chr2:178,720,104, plus strand): 5'-ATATTTTCCAGAATTAGATGCTTCTGGACTCCCCAGCTGGAGGGTTGCAATGTTATCAAT[G>C]AATGAAATCCTGGTATTTTCACTCTCTCTGATGACTTCACCTCTATCTTTCAGCCAGACA-3'
Protein context (NP_001254479.2, residues 7836-7856): IRESENTRIS[Phe7846Leu]IDNIATLQLG